The following is an entry in ClinVar:

ClinVar aggregate classification (germline): Pathogenic (1 of 4 stars; one submission).

Conditions:
Hereditary cancer-predisposing syndrome. Also called: Neoplastic Syndromes, Hereditary; Tumor predisposition; Hereditary Cancer Syndrome; Hereditary neoplastic syndrome. Identifiers: Orphanet 140162, MedGen C0027672, MeSH D009386, MONDO:0015356.

Submission:

Ambry Genetics
Classification: Pathogenic for Hereditary cancer-predisposing syndrome. Last evaluated: 2022-06-14. Review status: criteria provided, single submitter. Criteria: Ambry Variant Classification Scheme 2023. Collection method: clinical testing. Allele origin: germline.
Comment: The p.Q714* pathogenic mutation (also known as c.2140C>T), located in coding exon 14 of the PTCH1 gene, results from a C to T substitution at nucleotide position 2140. This changes the amino acid from a glutamine to a stop codon within coding exon 14. This alteration has been reported in an individual with nevoid basal cell carcinoma syndrome (Marsh A et al. Hum Mutat, 2005 Sep;26:283). In addition to the clinical data presented in the literature, this alteration is expected to result in loss of function by premature protein truncation or nonsense-mediated mRNA decay. As such, this alteration is interpreted as a disease-causing mutation.

Literature cited by the submitters: PubMed 16088933.

NM_000264.5(PTCH1):c.2140C>T (p.Gln714Ter)

Genes: PTCH1 (patched 1; minus strand), LOC100507346 (uncharacterized LOC100507346; plus strand). Cytogenetic location: 9q22.32.
Variant type: single nucleotide variant.
Coding change: c.2140C>T on transcript NM_000264.5 (MANE Select); coding-DNA position 2140, C replaced by T.
Protein change: p.Gln714Ter; replaces glutamine 714 with a stop codon.
Molecular consequence: nonsense. On other transcripts: non-coding transcript variant (2).
Genome position (GRCh38, 1-based): chr9:95,468,861, G>A on the plus strand (C>T on the coding strand, the complement: PTCH1 is on the minus strand). VCF-style: chr9-95468861-G-A. GRCh37 (hg19) VCF-style: chr9-98231143-G-A.
Other names: c.1687C>T, p.Gln563Ter (NM_001083605.3, NM_001083606.3, NM_001083607.3 and 1 more transcripts); c.1984C>T, p.Gln662Ter (NM_001354918.2); c.1942C>T, p.Gln648Ter (NM_001083602.3); c.2137C>T, p.Gln713Ter (NM_001083603.3); short protein forms Q648*, Q713*, Q714*, Q563*, Q662*.
Identifiers: ClinVar variation 1786582 (VCV001786582.2), dbSNP rs2118034227, ClinGen allele CA374115573.